The following is an entry in ClinVar:

NM_000045.4(ARG1):c.241G>A (p.Ala81Thr)

Genes: ARG1 (arginase 1; plus strand), MED23 (mediator complex subunit 23; minus strand). Cytogenetic location: 6q23.2.
Variant type: single nucleotide variant.
Coding change: c.241G>A on transcript NM_000045.4 (MANE Select); coding-DNA position 241, G replaced by A.
Protein change: p.Ala81Thr; replaces alanine 81 with threonine.
Molecular consequence: missense variant. On other transcripts: intron variant (2), non-coding transcript variant (1).
Genome position (GRCh38, 1-based): chr6:131,579,221, G>A. VCF-style: chr6-131579221-G-A. GRCh37 (hg19) VCF-style: chr6-131900361-G-A.
Other names: c.4096-4926C>T (NM_015979.4); c.265G>A, p.Ala89Thr (NM_001244438.2); c.241G>A, p.Ala81Thr (NM_001369020.1); c.4078-4926C>T (NM_001270521.2); short protein forms A81T, A89T.
Identifiers: ClinVar variation 529432 (VCV000529432.7), dbSNP rs142107090, ClinGen allele CA365650643.
Genomic context (GRCh38, chr6:131,579,221, plus strand): 5'-GACAGTCCCTTTCAAATTGTGAAGAATCCAAGGTCTGTGGGAAAAGCAAGCGAGCAGCTG[G>A]CTGGCAAGGTGGCAGAAGTCAAGAAGAACGGAAGAATCAGCCTGGTGCTGGGCGGAGACC-3'
Protein context (NP_000036.2, residues 71-91): RSVGKASEQL[Ala81Thr]GKVAEVKKNG

ClinVar aggregate classification (germline): Uncertain significance (1 of 4 stars; one submission).

Conditions:
Arginase deficiency. Also called: ARGININEMIA; ARG1 DEFICIENCY; Arginase 1 Deficiency. Identifiers: Orphanet 90, MedGen C0268548, MONDO:0008814, OMIM 207800.

gnomAD v4.1: 9 of 1,614,168 alleles (0.00056%); highest among the groups gnomAD compares: Non-Finnish European, 0.00076%; no homozygotes.

Submission:

Labcorp Genetics (formerly Invitae), Labcorp
Classification: Uncertain significance for Arginase deficiency. Last evaluated: 2021-08-31. Review status: criteria provided, single submitter. Criteria: Invitae Variant Classification Sherloc (09022015). Collection method: clinical testing. Allele origin: germline.
Comment: This sequence change replaces alanine with threonine at codon 81 of the ARG1 protein (p.Ala81Thr). The alanine residue is moderately conserved and there is a small physicochemical difference between alanine and threonine. This variant is not present in population databases (ExAC no frequency). This missense change has been observed in individual(s) with clinical features of ARG1-related conditions (Invitae). Algorithms developed to predict the effect of missense changes on protein structure and function are either unavailable or do not agree on the potential impact of this missense change (SIFT: "Tolerated"; PolyPhen-2: "Possibly Damaging"; Align-GVGD: "Class C0"). In summary, the available evidence is currently insufficient to determine the role of this variant in disease. Therefore, it has been classified as a Variant of Uncertain Significance.